The following is an entry in ClinVar:

ClinVar aggregate classification (germline): Uncertain significance (1 of 4 stars; one submission).

Submission:

Ambry Genetics
Classification: Uncertain significance. Last evaluated: 2023-12-24. Review status: criteria provided, single submitter. Criteria: Ambry Variant Classification Scheme 2023. Collection method: clinical testing. Allele origin: germline.
Comment: The p.R1172L variant (also known as c.3515G>T), located in coding exon 31 of the KIF1B gene, results from a G to T substitution at nucleotide position 3515. The arginine at codon 1172 is replaced by leucine, an amino acid with dissimilar properties. This amino acid position is conserved. In addition, the in silico prediction for this alteration is inconclusive. Since supporting evidence is limited at this time, the clinical significance of this alteration remains unclear.

NM_001365951.3(KIF1B):c.3653G>T (p.Arg1218Leu)

Gene: KIF1B (kinesin family member 1B; plus strand). Cytogenetic location: 1p36.22.
Variant type: single nucleotide variant.
Coding change: c.3653G>T on transcript NM_001365951.3 (MANE Select); coding-DNA position 3653, G replaced by T.
Protein change: p.Arg1218Leu; replaces arginine 1218 with leucine.
Molecular consequence: missense variant.
Genome position (GRCh38, 1-based): chr1:10,343,252, G>T. VCF-style: chr1-10343252-G-T. GRCh37 (hg19) VCF-style: chr1-10403310-G-T.
Other names: c.3653G>T, p.Arg1218Leu (NM_001365952.1); c.3515G>T, p.Arg1172Leu (NM_015074.3); short protein forms R1172L, R1218L.
Identifiers: ClinVar variation 3226464 (VCV003226464.1), dbSNP rs2102323732, ClinGen allele CA338342097.